The following is an entry in ClinVar:

NM_001143979.2(NDE1):c.-535C>A

Gene: NDE1 (nudE neurodevelopment protein 1; plus strand). Cytogenetic location: 16p13.11.
Variant type: single nucleotide variant.
Coding change: c.-535C>A on transcript NM_001143979.2; 535 bases upstream of the start codon, C replaced by A.
Molecular consequence: 5 prime UTR variant.
Genome position (GRCh38, 1-based): chr16:15,643,558, C>A. VCF-style: chr16-15643558-C-A. GRCh37 (hg19) VCF-style: chr16-15737415-C-A.
Identifiers: ClinVar variation 318024 (VCV000318024.7), dbSNP rs187630586, ClinGen allele CA10647052.

ClinVar aggregate classification (germline): Likely benign (1 of 4 stars; one submission).

Conditions:
Lissencephaly 4 (LIS4). Also called: Lissencephaly 4 (with microcephaly). Identifiers: Orphanet 1083, MedGen C3151461, MONDO:0013527, OMIM 614019.

Allele frequency attached by ClinVar (database versions not stated): 1000 Genomes Project 0.00220; gnomAD 0.00073 and 0.00056; TOPMed 0.00087; gnomAD exomes 0.00022; 1000 Genomes Project 30x 0.00187.
gnomAD v4.1: 167 of 337,086 alleles (0.05%); highest among the groups gnomAD compares: East Asian, 1.8%; 1 homozygote.

Submission:

Illumina Laboratory Services, Illumina
Classification: Likely benign for Lissencephaly 4. Last evaluated: 2018-01-13. Review status: criteria provided, single submitter. Criteria: ICSL Variant Classification Criteria 13 December 2019. Collection method: clinical testing. Allele origin: germline.
Comment: This variant was observed in the ICSL laboratory as part of a predisposition screen in an ostensibly healthy population. It had not been previously curated by ICSL or reported in the Human Gene Mutation Database (HGMD: prior to June 1st, 2018), and was therefore a candidate for classification through an automated scoring system. Utilizing variant allele frequency, disease prevalence and penetrance estimates, and inheritance mode, an automated score was calculated to assess if this variant is too frequent to cause the disease. Based on the score and internal cut-off values, a variant classified as likely benign is not then subjected to further curation. The score for this variant resulted in a classification of likely benign for this disease.